The following is an entry in ClinVar:

NM_001378615.1(CC2D2A):c.717+101C>T

Genes: CC2D2A (coiled-coil and C2 domain containing 2A; plus strand), FBXL5 (F-box and leucine rich repeat protein 5; minus strand). Cytogenetic location: 4p15.32.
Variant type: single nucleotide variant.
Coding change: c.717+101C>T on transcript NM_001378615.1 (MANE Select); 101 bases into the intron after coding-DNA position 717, C replaced by T.
Molecular consequence: intron variant.
Genome position (GRCh38, 1-based): chr4:15,511,524, C>T. VCF-style: chr4-15511524-C-T. GRCh37 (hg19) VCF-style: chr4-15513147-C-T.
Other names: c.717+101C>T (NM_001080522.2); c.570+101C>T (NM_001378617.1).
Identifiers: ClinVar variation 674721 (VCV000674721.2), dbSNP rs1058412, ClinGen allele CA11717930.
Genomic context (GRCh38, chr4:15,511,524, plus strand): 5'-CTAGGAGGAAAAAGCTGATGTCCCTGCAAGAAAGAAAGTGGCTGAGGAGAAACCTGCCAC[C>T]ACCAGGAGAATGACACTCCACGTCTGAGTTGAAATCCCAAGTACTGAATTCACATGGCTC-3'

ClinVar aggregate classification (germline): Benign. Review status: criteria provided, multiple submitters, no conflicts (2 of 4 stars). 2 submissions from 2 submitters: Benign (2). Last evaluated 2018-06-14.

Allele frequency attached by ClinVar (database versions not stated): 1000 Genomes Project 30x 0.21268; 1000 Genomes Project 0.21366; TOPMed 0.28502; gnomAD 0.29563 and 0.29791; gnomAD exomes 0.36032.
gnomAD v4.1: 366,146 of 1,046,946 alleles (35%); highest among the groups gnomAD compares: Non-Finnish European, 39%; 68,656 homozygotes.

Submissions (2):

GeneDx
Classification: Benign. Last evaluated: 2018-06-14. Review status: criteria provided, single submitter. Criteria: GeneDx Variant Classification (06012015). Collection method: clinical testing. Allele origin: germline. Affected: yes.
Comment: This variant is considered likely benign or benign based on one or more of the following criteria: it is a conservative change, it occurs at a poorly conserved position in the protein, it is predicted to be benign by multiple in silico algorithms, and/or has population frequency not consistent with disease.

Breakthrough Genomics
Classification: Benign. Review status: criteria provided, single submitter. Criteria: ACMG Guidelines, 2015. Collection method: not provided. Allele origin: germline. Inheritance: Autosomal recessive inheritance. Affected: yes.